The following is an entry in ClinVar:

ClinVar aggregate classification (germline): Uncertain significance (1 of 4 stars; one submission).

Submission:

Labcorp Genetics (formerly Invitae), Labcorp
Classification: Uncertain significance. Last evaluated: 2021-07-28. Review status: criteria provided, single submitter. Criteria: Invitae Variant Classification Sherloc (09022015). Collection method: clinical testing. Allele origin: germline.
Comment: This sequence change creates a premature translational stop signal (p.Cys523*) in the TULP1 gene. While this is not anticipated to result in nonsense mediated decay, it is expected to disrupt the last 20 amino acid(s) of the TULP1 protein. This variant is not present in population databases (ExAC no frequency). This variant has not been reported in the literature in individuals affected with TULP1-related conditions. Algorithms developed to predict the effect of sequence changes on RNA splicing suggest that this variant may create or strengthen a splice site. This variant disrupts a region of the TULP1 protein in which other variant(s) (p.Phe535Ser) have been observed in individuals with TULP1-related conditions (PMID: 24265693). This suggests that this is a clinically significant region of the protein, and that variants that disrupt it are likely to be disease-causing. In summary, the available evidence is currently insufficient to determine the role of this variant in disease. Therefore, it has been classified as a Variant of Uncertain Significance.

Literature cited by the submitters: PubMed 24265693.

NM_003322.6(TULP1):c.1569C>A (p.Cys523Ter)

Gene: TULP1 (TUB like protein 1; minus strand). Cytogenetic location: 6p21.31.
Variant type: single nucleotide variant.
Coding change: c.1569C>A on transcript NM_003322.6 (MANE Select); coding-DNA position 1569, C replaced by A.
Protein change: p.Cys523Ter; replaces cysteine 523 with a stop codon.
Molecular consequence: nonsense.
Genome position (GRCh38, 1-based): chr6:35,498,387, G>T on the plus strand (C>A on the coding strand, the complement: TULP1 is on the minus strand). VCF-style: chr6-35498387-G-T. GRCh37 (hg19) VCF-style: chr6-35466164-G-T.
Other names: c.1410C>A, p.Cys470Ter (NM_001289395.2); short protein forms C470*, C523*.
Identifiers: ClinVar variation 1478422 (VCV001478422.3), dbSNP rs768536269, ClinGen allele CA363778248.